The following is an entry in ClinVar:

ClinVar aggregate classification (germline): Conflicting classifications of pathogenicity. Review status: criteria provided, conflicting classifications (1 of 4 stars). 4 submissions from 4 submitters: Uncertain significance (2); Likely benign (2). Last evaluated 2024-05-21.

Conditions:
Inborn genetic diseases. Identifiers: MedGen C0950123, MeSH D030342.
Epidermolysis bullosa simplex, Ogna type (EBS5A). Also called: Pidermolysis bullosa simplex 5A, Ogna type; EPIDERMOLYSIS BULLOSA SIMPLEX 5A, OGNA TYPE. Identifiers: Orphanet 79401, MedGen C0432317, MONDO:0007555, OMIM 131950.
Epidermolysis bullosa simplex with nail dystrophy (EBS5D). Identifiers: MedGen C4225309, MONDO:0014661, OMIM 616487.
Epidermolysis bullosa simplex 5B, with muscular dystrophy (EBS5B). Also called: EPIDERMOLYSIS BULLOSA SIMPLEX AND LIMB-GIRDLE MUSCULAR DYSTROPHY; Epidermolysis bullosa simplex with muscular dystrophy. Identifiers: Orphanet 257, MedGen C2931072, MONDO:0009181, OMIM 226670.
Epidermolysis bullosa simplex 5C, with pyloric atresia (EBS5C). Also called: PLEC1-Related Epidermolysis Bullosa with Pyloric Atresia; Epidermolysis bullosa simplex with pyloric atresia; PLEC-Related Epidermolysis Bullosa with Pyloric Atresia. Identifiers: Orphanet 158684, MedGen C2677349, MONDO:0012807, OMIM 612138.
Autosomal recessive limb-girdle muscular dystrophy type 2Q (LGMDR17). Also called: MUSCULAR DYSTROPHY, LIMB-GIRDLE, AUTOSOMAL RECESSIVE 17. Identifiers: Orphanet 254361, MedGen C3150989, MONDO:0013390, OMIM 613723.

Allele frequency attached by ClinVar (database versions not stated): TOPMed 0.00004; ExAC 0.00007; gnomAD exomes 0.00013; gnomAD 0.00023 and 0.00024.
gnomAD v4.1: 107 of 1,540,048 alleles (0.0069%); highest among the groups gnomAD compares: Middle Eastern, 0.035%; 1 homozygote.

Submissions (4):

Labcorp Genetics (formerly Invitae), Labcorp
Classification: Uncertain significance for Autosomal recessive limb-girdle muscular dystrophy type 2Q; Epidermolysis bullosa simplex, Ogna type; Epidermolysis bullosa simplex with nail dystrophy; Epidermolysis bullosa simplex 5C, with pyloric atresia; Epidermolysis bullosa simplex 5B, with muscular dystrophy. Last evaluated: 2024-05-21. Review status: criteria provided, single submitter. Criteria: Invitae Variant Classification Sherloc (09022015). Collection method: clinical testing. Allele origin: germline.
Comment: This sequence change replaces glutamine, which is neutral and polar, with glutamic acid, which is acidic and polar, at codon 1642 of the PLEC protein (p.Gln1642Glu). This variant is present in population databases (rs782766351, gnomAD 0.2%). This variant has not been reported in the literature in individuals affected with PLEC-related conditions. ClinVar contains an entry for this variant (Variation ID: 510673). Advanced modeling of protein sequence and biophysical properties (such as structural, functional, and spatial information, amino acid conservation, physicochemical variation, residue mobility, and thermodynamic stability) performed at Invitae indicates that this missense variant is not expected to disrupt PLEC protein function with a negative predictive value of 80%. In summary, the available evidence is currently insufficient to determine the role of this variant in disease. Therefore, it has been classified as a Variant of Uncertain Significance.

Blueprint Genetics
Classification: Likely benign. Last evaluated: 2023-04-13. Review status: criteria provided, single submitter. Criteria: ACMG Guidelines, 2015. Collection method: clinical testing. Allele origin: germline.

Ambry Genetics
Classification: Uncertain significance for Inborn genetic diseases. Last evaluated: 2022-11-07. Review status: criteria provided, single submitter. Criteria: Ambry Variant Classification Scheme 2023. Collection method: clinical testing. Allele origin: germline.

GeneDx
Classification: Likely benign. Last evaluated: 2017-07-11. Review status: criteria provided, single submitter. Criteria: GeneDx Variant Classification (06012015). Collection method: clinical testing. Allele origin: germline. Affected: yes.
Comment: This variant is considered likely benign or benign based on one or more of the following criteria: it is a conservative change, it occurs at a poorly conserved position in the protein, it is predicted to be benign by multiple in silico algorithms, and/or has population frequency not consistent with disease.

NM_201384.3(PLEC):c.4843C>G (p.Gln1615Glu)

Gene: PLEC (plectin; minus strand). Cytogenetic location: 8q24.3.
Variant type: single nucleotide variant.
Coding change: c.4843C>G on transcript NM_201384.3 (MANE Select); coding-DNA position 4843, C replaced by G.
Protein change: p.Gln1615Glu; replaces glutamine 1615 with glutamic acid.
Molecular consequence: missense variant.
Genome position (GRCh38, 1-based): chr8:143,925,086, G>C on the plus strand (C>G on the coding strand, the complement: PLEC is on the minus strand). VCF-style: chr8-143925086-G-C. GRCh37 (hg19) VCF-style: chr8-144999254-G-C.
Other names: c.4924C>G, p.Gln1642Glu (NM_000445.5); c.4801C>G, p.Gln1601Glu (NM_201378.4); c.4777C>G, p.Gln1593Glu (NM_201379.3); c.5254C>G, p.Gln1752Glu (NM_201380.4); c.4747C>G, p.Gln1583Glu (NM_201381.3); c.4843C>G, p.Gln1615Glu (NM_201382.4); c.4855C>G, p.Gln1619Glu (NM_201383.3); short protein forms Q1583E, Q1593E, Q1601E, Q1615E, Q1619E, Q1642E, Q1752E.
Identifiers: ClinVar variation 510673 (VCV000510673.9), dbSNP rs782766351, ClinGen allele CA4926523.